The following is an entry in ClinVar:

ClinVar aggregate classification (germline): Conflicting classifications of pathogenicity. Review status: criteria provided, conflicting classifications (1 of 4 stars). 2 submissions from 2 submitters: Likely pathogenic (1); Uncertain significance (1). Last evaluated 2026-01-21.

Conditions:
Early-infantile DEE. Also called: Early infantile epileptic encephalopathy; Ohtahara syndrome; Early infantile epileptic encephalopathy with suppression bursts. Identifiers: Orphanet 1934, MedGen C0393706, MONDO:0800491.

gnomAD v4.1: 4 of 1,613,850 alleles (0.00025%); highest among the groups gnomAD compares: Admixed American, 0.0017%; no homozygotes.

Submissions (2):

Labcorp Genetics (formerly Invitae), Labcorp
Classification: Likely pathogenic for Early-infantile DEE. Last evaluated: 2026-01-21. Review status: criteria provided, single submitter. Criteria: Invitae Variant Classification Sherloc (09022015). Collection method: clinical testing. Allele origin: germline.
Comment: This sequence change replaces glutamic acid, which is acidic and polar, with lysine, which is basic and polar, at codon 427 of the SCN1A protein (p.Glu427Lys). This variant is present in population databases (no rsID available, gnomAD no frequency). This missense change has been observed in individual(s) with Dravet syndrome (PMID: 29141279). Invitae Evidence Modeling of protein sequence and biophysical properties (such as structural, functional, and spatial information, amino acid conservation, physicochemical variation, residue mobility, and thermodynamic stability) indicates that this missense variant is expected to disrupt SCN1A protein function with a positive predictive value of 95%. In summary, the currently available evidence indicates that the variant is pathogenic, but additional data are needed to prove that conclusively. Therefore, this variant has been classified as Likely Pathogenic.

GeneDx
Classification: Uncertain significance. Last evaluated: 2025-04-28. Review status: criteria provided, single submitter. Criteria: GeneDx Variant Classification Process June 2021. Collection method: clinical testing. Allele origin: germline. Affected: yes.
Comment: Previously reported as a variant of uncertain significance in individuals with Dravet syndrome, however, other variants in this gene were also observed (PMID: 29141279); This substitution is predicted to be in the cytoplasmic loop between the first and second homologous domains; Not observed at significant frequency in large population cohorts (gnomAD); In silico analysis supports that this missense variant has a deleterious effect on protein structure/function; This variant is associated with the following publications: (PMID: 29141279)

Literature cited by the submitters: PubMed 29141279 (cited by Labcorp Genetics (formerly Invitae), Labcorp).

NM_001165963.4(SCN1A):c.1279G>A (p.Glu427Lys)

Gene: SCN1A (sodium voltage-gated channel alpha subunit 1; minus strand). Cytogenetic location: 2q24.3.
Variant type: single nucleotide variant.
Coding change: c.1279G>A on transcript NM_001165963.4 (MANE Select); coding-DNA position 1279, G replaced by A.
Protein change: p.Glu427Lys; replaces glutamic acid 427 with lysine.
Molecular consequence: missense variant. On other transcripts: 5 prime UTR variant (1), non-coding transcript variant (1).
Genome position (GRCh38, 1-based): chr2:166,046,868, C>T on the plus strand (G>A on the coding strand, the complement: SCN1A is on the minus strand). VCF-style: chr2-166046868-C-T. GRCh37 (hg19) VCF-style: chr2-166903378-C-T.
Other names: c.1279G>A, p.Glu427Lys (NM_001165964.3, NM_001202435.3, NM_001353948.2 and 10 more transcripts); c.-1147G>A (NM_001353961.2); short protein forms E427K.
Identifiers: ClinVar variation 4528287 (VCV004528287.2).